The following is an entry in ClinVar:

ClinVar aggregate classification (germline): Conflicting classifications of pathogenicity. Review status: criteria provided, conflicting classifications (1 of 4 stars). 2 submissions from 2 submitters: Uncertain significance (1); Likely benign (1). Last evaluated 2021-03-25.

Conditions:
Hereditary breast ovarian cancer syndrome. Also called: Hereditary breast and ovarian cancer syndrome; Breast and ovarian cancer; BRCA1- and BRCA2-Associated Hereditary Breast and Ovarian Cancer; Hereditary breast and ovarian cancer syndrome (HBOC); Hereditary breast and/or ovarian cancer syndrome; Hereditary breast and ovarian cancer. Identifiers: Orphanet 145, MedGen C0677776, MeSH D061325, MONDO:0003582. Disease mechanism: loss of function.

Submissions (2):

Labcorp Genetics (formerly Invitae), Labcorp
Classification: Uncertain significance for Hereditary breast ovarian cancer syndrome. Last evaluated: 2021-03-25. Review status: criteria provided, single submitter. Criteria: Invitae Variant Classification Sherloc (09022015). Collection method: clinical testing. Allele origin: germline.
Comment: This variant occurs in a non-coding region of the BRCA2 gene. It does not change the encoded amino acid sequence of the BRCA2 protein. The frequency data for this variant in the population databases is considered unreliable, as metrics indicate insufficient coverage at this position in the ExAC database. This variant has not been reported in the literature in individuals with BRCA2-related conditions. ClinVar contains an entry for this variant (Variation ID: 506545). Experimental studies and prediction algorithms are not available or were not evaluated, and the functional significance of this variant is currently unknown. In summary, the available evidence is currently insufficient to determine the role of this variant in disease. Therefore, it has been classified as a Variant of Uncertain Significance.

GeneDx
Classification: Likely benign. Last evaluated: 2017-08-25. Review status: criteria provided, single submitter. Criteria: GeneDx Variant Classification (06012015). Collection method: clinical testing. Allele origin: germline. Affected: yes.
Comment: This variant is considered likely benign or benign based on one or more of the following criteria: it is a conservative change, it occurs at a poorly conserved position in the protein, it is predicted to be benign by multiple in silico algorithms, and/or has population frequency not consistent with disease.

NM_000059.4(BRCA2):c.-56C>A

Genes: BRCA2 (BRCA2 DNA repair associated; plus strand), LOC106721785 (BRCA2 promoter/silencer region; plus strand). Cytogenetic location: 13q13.1.
Variant type: single nucleotide variant.
Coding change: c.-56C>A on transcript NM_000059.4 (MANE Select); 56 bases upstream of the start codon, C replaced by A.
Molecular consequence: 5 prime UTR variant.
Genome position (GRCh38, 1-based): chr13:32,315,651, C>A. VCF-style: chr13-32315651-C-A. GRCh37 (hg19) VCF-style: chr13-32889788-C-A.
Identifiers: ClinVar variation 506545 (VCV000506545.4), dbSNP rs1555279958, ClinGen allele CA658798079.
Genomic context (GRCh38, chr13:32,315,651, plus strand): 5'-GTGAGGGGACAGATTTGTGACCGGCGCGGTTTTTGTCAGCTTACTCCGGCCAAAAAAGAA[C>A]TGCACCTCTGGAGCGGGTTAGTGGTGGTGGTAGTGGGTTGGGACGAGCGCGTCTTCCGCA-3'